The following is an entry in ClinVar:

ClinVar aggregate classification (germline): Uncertain significance (1 of 4 stars; one submission).

Conditions:
Developmental and epileptic encephalopathy, 34 (DEE34). Also called: Early infantile epileptic encephalopathy 34; SLC12A5-Related Epilepsy of Infancy with Migrating Focal Seizures. Identifiers: Orphanet 293181, MedGen C4225257, MONDO:0014718, OMIM 616645.

Allele frequency attached by ClinVar (database versions not stated): gnomAD exomes 0.00001 and 0.00003; TOPMed 0.00002; gnomAD 0.00003 and 0.00004; ESP Exome Variant Server 0.00008.
gnomAD v4.1: 53 of 1,613,858 alleles (0.0033%); highest among the groups gnomAD compares: Non-Finnish European, 0.004%; no homozygotes.

Submission:

Labcorp Genetics (formerly Invitae), Labcorp
Classification: Uncertain significance for Developmental and epileptic encephalopathy, 34. Last evaluated: 2022-01-26. Review status: criteria provided, single submitter. Criteria: Invitae Variant Classification Sherloc (09022015). Collection method: clinical testing. Allele origin: germline.
Comment: This sequence change replaces glutamic acid, which is acidic and polar, with valine, which is neutral and non-polar, at codon 39 of the SLC12A5 protein (p.Glu39Val). This variant is present in population databases (rs376521903, gnomAD 0.003%). This variant has not been reported in the literature in individuals affected with SLC12A5-related conditions. ClinVar contains an entry for this variant (Variation ID: 949577). Advanced modeling of protein sequence and biophysical properties (such as structural, functional, and spatial information, amino acid conservation, physicochemical variation, residue mobility, and thermodynamic stability) performed at Invitae indicates that this missense variant is not expected to disrupt SLC12A5 protein function. Algorithms developed to predict the effect of sequence changes on RNA splicing suggest that this variant may create or strengthen a splice site. In summary, the available evidence is currently insufficient to determine the role of this variant in disease. Therefore, it has been classified as a Variant of Uncertain Significance.

NM_020708.5(SLC12A5):c.116A>T (p.Glu39Val)

Gene: SLC12A5 (solute carrier family 12 member 5; plus strand). Cytogenetic location: 20q13.12.
Variant type: single nucleotide variant.
Coding change: c.116A>T on transcript NM_020708.5 (MANE Select); coding-DNA position 116, A replaced by T.
Protein change: p.Glu39Val; replaces glutamic acid 39 with valine.
Molecular consequence: missense variant.
Genome position (GRCh38, 1-based): chr20:46,035,011, A>T. VCF-style: chr20-46035011-A-T. GRCh37 (hg19) VCF-style: chr20-44663650-A-T.
Other names: c.185A>T, p.Glu62Val (NM_001134771.2); short protein forms E39V, E62V.
Identifiers: ClinVar variation 949577 (VCV000949577.8), dbSNP rs376521903, ClinGen allele CA315631283.